The following is an entry in ClinVar:

NM_032482.3(DOT1L):c.1429G>A (p.Val477Met)

Gene: DOT1L (DOT1 like histone lysine methyltransferase; plus strand). Cytogenetic location: 19p13.3.
Variant type: single nucleotide variant.
Coding change: c.1429G>A on transcript NM_032482.3 (MANE Select); coding-DNA position 1429, G replaced by A.
Protein change: p.Val477Met; replaces valine 477 with methionine.
Molecular consequence: missense variant.
Genome position (GRCh38, 1-based): chr19:2,211,176, G>A. VCF-style: chr19-2211176-G-A. GRCh37 (hg19) VCF-style: chr19-2211175-G-A.
Other names: c.1429G>A, p.Val477Met (NM_001411141.1); short protein forms V477M.
Identifiers: ClinVar variation 3085390 (VCV003085390.3), dbSNP rs528998179, ClinGen allele CA9060513.

ClinVar aggregate classification (germline): Conflicting classifications of pathogenicity. Review status: criteria provided, conflicting classifications (1 of 4 stars). 2 submissions from 2 submitters: Uncertain significance (1); Likely benign (1). Last evaluated 2026-05-01.

Conditions:
Inborn genetic diseases. Identifiers: MedGen C0950123, MeSH D030342.

Allele frequency attached by ClinVar (database versions not stated): gnomAD exomes 0.00009; ExAC 0.00014; 1000 Genomes Project 30x 0.00031; 1000 Genomes Project 0.00040.

Submissions (2):

CeGaT Center for Human Genetics Tuebingen
Classification: Likely benign. Last evaluated: 2026-05-01. Review status: criteria provided, single submitter. Criteria: CeGaT Center For Human Genetics Tuebingen Variant Classification Criteria Version 2. Collection method: clinical testing. Allele origin: germline. Affected: yes. Observed: 1 variant allele.
Comment: DOT1L: BP4, BS1

Ambry Genetics
Classification: Uncertain significance for Inborn genetic diseases. Last evaluated: 2023-02-16. Review status: criteria provided, single submitter. Criteria: Ambry Variant Classification Scheme 2023. Collection method: clinical testing. Allele origin: germline.